The following is an entry in ClinVar:

NM_001142800.2(EYS):c.9316del (p.Thr3106fs)

Genes: EYS (EGF-like photoreceptor maintenance factor; minus strand), PHF3 (PHD finger protein 3; plus strand). Cytogenetic location: 6q12.
Variant type: Deletion.
Coding change: c.9316del on transcript NM_001142800.2 (MANE Select); coding-DNA position 9316, one base deleted (A; older notation c.9316delA).
Protein change: p.Thr3106fs; shifts the reading frame from threonine 3106.
Molecular consequence: frameshift variant. On other transcripts: 3 prime UTR variant (5).
Genome position (GRCh38, 1-based): chr6:63,720,715, T deleted on the plus strand (A on the coding strand, the reverse complement: EYS is on the minus strand); the first of 4 consecutive T bases (chr6:63,720,715-63,720,718); deleting any one gives the same sequence. VCF-style (leftmost placement, unchanged base first): chr6-63720714-GT-G. GRCh37 (hg19) VCF-style: chr6-64430610-GT-G.
Other names: c.*7010del (NM_001290259.2, NM_001370348.2, NM_001370349.2 and 2 more transcripts); c.9379del, p.Thr3127fs (NM_001292009.2); short protein forms T3106fs, T3127fs.
Identifiers: ClinVar variation 2982046 (VCV002982046.3), dbSNP rs2533385282, ClinGen allele CA2578659638.

ClinVar aggregate classification (germline): Pathogenic (1 of 4 stars; one submission).

Submission:

Labcorp Genetics (formerly Invitae), Labcorp
Classification: Pathogenic. Last evaluated: 2023-04-25. Review status: criteria provided, single submitter. Criteria: Invitae Variant Classification Sherloc (09022015). Collection method: clinical testing. Allele origin: germline.
Comment: This variant has not been reported in the literature in individuals affected with EYS-related conditions. This variant is not present in population databases (gnomAD no frequency). This sequence change creates a premature translational stop signal (p.Thr3106Profs*21) in the EYS gene. While this is not anticipated to result in nonsense mediated decay, it is expected to disrupt the last 39 amino acid(s) of the EYS protein. For these reasons, this variant has been classified as Pathogenic. This variant disrupts a region of the EYS protein in which other variant(s) (p.Tyr3135*) have been determined to be pathogenic (PMID: 18976725, 29159838, 30337596, 31074760). This suggests that this is a clinically significant region of the protein, and that variants that disrupt it are likely to be disease-causing.

Literature cited by the submitters: PubMed 18976725; PubMed 29159838; PubMed 30337596; PubMed 31074760.